The following is an entry in ClinVar:

NM_000038.6(APC):c.6635A>G (p.Gln2212Arg)

Gene: APC (APC regulator of Wnt signaling pathway; plus strand). Cytogenetic location: 5q22.2.
Variant type: single nucleotide variant.
Coding change: c.6635A>G on transcript NM_000038.6 (MANE Select); coding-DNA position 6635, A replaced by G.
Protein change: p.Gln2212Arg; replaces glutamine 2212 with arginine.
Molecular consequence: missense variant.
Genome position (GRCh38, 1-based): chr5:112,842,229, A>G. VCF-style: chr5-112842229-A-G. GRCh37 (hg19) VCF-style: chr5-112177926-A-G.
Other names: c.6332A>G, p.Gln2111Arg (NM_001354903.2); c.6257A>G, p.Gln2086Arg (NM_001354904.2); c.6155A>G, p.Gln2052Arg (NM_001354905.2); c.5786A>G, p.Gln1929Arg (NM_001354906.2); c.6635A>G, p.Gln2212Arg (NM_001127510.3, NM_001354895.2); c.6581A>G, p.Gln2194Arg (NM_001127511.3); c.6689A>G, p.Gln2230Arg (NM_001354896.2); c.6665A>G, p.Gln2222Arg (NM_001354897.2); and 5 more; short protein forms Q2212R, Q2194R, Q2222R, Q2052R, Q2086R, Q2121R, Q1929R, Q2111R.
Identifiers: ClinVar variation 411345 (VCV000411345.12), dbSNP rs1060503262, ClinGen allele CA16035843.

ClinVar aggregate classification (germline): Uncertain significance. Review status: criteria provided, multiple submitters, no conflicts (2 of 4 stars). 2 submissions from 2 submitters: Uncertain significance (2). Last evaluated 2024-03-06.

Conditions:
Familial adenomatous polyposis 1 (FAP1). Also called: FAMILIAL ADENOMATOUS POLYPOSIS 1, ATTENUATED; POLYPOSIS, ADENOMATOUS INTESTINAL. Identifiers: MedGen C2713442, MONDO:0021056, OMIM 175100. Disease mechanism: loss of function.
Hereditary cancer-predisposing syndrome. Also called: Tumor predisposition; Hereditary Cancer Syndrome; Hereditary neoplastic syndrome; Neoplastic Syndromes, Hereditary. Identifiers: Orphanet 140162, MedGen C0027672, MeSH D009386, MONDO:0015356.

Submissions (2):

Color Diagnostics, LLC DBA Color Health
Classification: Uncertain significance for Hereditary cancer-predisposing syndrome. Last evaluated: 2024-03-06. Review status: criteria provided, single submitter. Criteria: ACMG Guidelines, 2015. Collection method: clinical testing. Allele origin: germline.
Comment: This missense variant replaces glutamine with arginine at codon 2212 of the APC protein. Computational prediction suggests that this variant may not impact protein structure and function (internally defined REVEL score threshold <= 0.5, PMID: 27666373). To our knowledge, functional studies have not been reported for this variant. This variant has not been reported in individuals affected with hereditary cancer in the literature. This variant has not been identified in the general population by the Genome Aggregation Database (gnomAD). The available evidence is insufficient to determine the role of this variant in disease conclusively. Therefore, this variant is classified as a Variant of Uncertain Significance.

Labcorp Genetics (formerly Invitae), Labcorp
Classification: Uncertain significance for Familial adenomatous polyposis 1. Last evaluated: 2016-12-29. Review status: criteria provided, single submitter. Criteria: Invitae Variant Classification Sherloc (09022015). Collection method: clinical testing. Allele origin: germline.
Comment: This sequence change replaces glutamine with arginine at codon 2212 of the APC protein (p.Gln2212Arg). The glutamine residue is highly conserved and there is a small physicochemical difference between glutamine and arginine. In summary, this variant is a novel missense change that is not predicted to affect protein function. There is no indication that it causes disease, but the available evidence is currently insufficient to prove that conclusively. Therefore, it has been classified as a Variant of Uncertain Significance. Algorithms developed to predict the effect of missense changes on protein structure and function (SIFT, PolyPhen-2, Align-GVGD) all suggest that this variant is likely to be tolerated, but these predictions have not been confirmed by published functional studies. This variant is not present in population databases (ExAC no frequency) and has not been reported in the literature in individuals with an APC-related disease.